The following is an entry in ClinVar:

ClinVar aggregate classification (germline): Conflicting classifications of pathogenicity. Review status: criteria provided, conflicting classifications (1 of 4 stars). 2 submissions from 2 submitters: Pathogenic (1); Uncertain significance (1). Last evaluated 2022-09-23.

Conditions:
Wolfram syndrome 1 (WFS1). Identifiers: Orphanet 3463, MedGen C4551693, MONDO:0009101, OMIM 222300.

Allele frequency attached by ClinVar (database versions not stated): gnomAD exomes below 0.00001.
gnomAD v4.1: 1 of 1,613,502 alleles (0.000062%); highest among the groups gnomAD compares: Non-Finnish European, 0.000085%; no homozygotes.

Submissions (2):

Labcorp Genetics (formerly Invitae), Labcorp
Classification: Pathogenic. Last evaluated: 2022-09-23. Review status: criteria provided, single submitter. Criteria: Invitae Variant Classification Sherloc (09022015). Collection method: clinical testing. Allele origin: germline.
Comment: This sequence change replaces leucine, which is neutral and non-polar, with arginine, which is basic and polar, at codon 664 of the WFS1 protein (p.Leu664Arg). This variant is not present in population databases (gnomAD no frequency). This missense change has been observed in individual(s) with autosomal recessive Wolfram syndrome (PMID: 19042979). It has also been observed to segregate with disease in related individuals. Advanced modeling of protein sequence and biophysical properties (such as structural, functional, and spatial information, amino acid conservation, physicochemical variation, residue mobility, and thermodynamic stability) performed at Invitae indicates that this missense variant is expected to disrupt WFS1 protein function. For these reasons, this variant has been classified as Pathogenic.

3billion
Classification: Uncertain significance for Wolfram syndrome 1. Last evaluated: 2022-09-01. Review status: criteria provided, single submitter. Criteria: ACMG Guidelines, 2015. Collection method: clinical testing. Allele origin: germline. Affected: yes. Observed: 1 homozygote.
Comment: The variant is not observed in the gnomAD v2.1.1 dataset. In silico tool predictions suggest damaging effect of the variant on gene or gene product (REVEL: 0.98; 3Cnet: 0.97). Same nucleotide change resulting in same amino acid change has been previously reported to be associated with WFS1-related disorder (PMID: 19042979). The variant has been reported to co-segregate with the disease in at least one similarly affected relative/individual in the same family or similarly affected unrelated family (PMID: 19042979). However, since the evidence of pathogenicity is insufficient at this time, this variant is classified as uncertain significance according to the recommendation of ACMG/AMP guideline.

Literature cited by the submitters: PubMed 19042979 (cited by Labcorp Genetics (formerly Invitae), Labcorp and 3billion).

NM_006005.3(WFS1):c.1991T>G (p.Leu664Arg)

Gene: WFS1 (wolframin ER transmembrane glycoprotein; plus strand). Cytogenetic location: 4p16.1.
Variant type: single nucleotide variant.
Coding change: c.1991T>G on transcript NM_006005.3 (MANE Select); coding-DNA position 1991, T replaced by G.
Protein change: p.Leu664Arg; replaces leucine 664 with arginine.
Molecular consequence: missense variant.
Genome position (GRCh38, 1-based): chr4:6,301,786, T>G. VCF-style: chr4-6301786-T-G. GRCh37 (hg19) VCF-style: chr4-6303513-T-G.
Other names: c.1991T>G, p.Leu664Arg (NM_001145853.1); short protein forms L664R.
Identifiers: ClinVar variation 1705303 (VCV001705303.6), dbSNP rs2474195528, ClinGen allele CA356177244.
Genomic context (GRCh38, chr4:6,301,786, plus strand): 5'-TGCTGTTCTGCTGGTTCTATGTGTACCGCTCAGAGGGCATGAAGGTCTACAACTCCACAC[T>G]GACCTGGCAGCAGTATGGTGCGCTGTGCGGGCCACGCGCCTGGAAGGAGACCAACATGGC-3'
Protein context (NP_005996.2, residues 654-674): SEGMKVYNST[Leu664Arg]TWQQYGALCG